The following is an entry in ClinVar:

ClinVar aggregate classification (germline): Pathogenic. Review status: criteria provided, multiple submitters, no conflicts (2 of 4 stars). 2 submissions from 2 submitters: Pathogenic (2). Last evaluated 2025-08-11.

Conditions:
Hereditary cancer-predisposing syndrome. Also called: Neoplastic Syndromes, Hereditary; Hereditary Cancer Syndrome; Hereditary neoplastic syndrome; Tumor predisposition. Identifiers: Orphanet 140162, MedGen C0027672, MeSH D009386, MONDO:0015356.
Familial cancer of breast. Also called: BREAST CANCER, FAMILIAL; Hereditary breast cancer; hereditary breast carcinoma. Identifiers: Orphanet 227535, MedGen C0346153, MONDO:0016419, OMIM 114480. Disease mechanism: loss of function.

Submissions (2):

Labcorp Genetics (formerly Invitae), Labcorp
Classification: Pathogenic for Familial cancer of breast. Last evaluated: 2025-08-11. Review status: criteria provided, single submitter. Criteria: Invitae Variant Classification Sherloc (09022015). Collection method: clinical testing. Allele origin: germline.
Comment: This sequence change creates a premature translational stop signal (p.Lys255Serfs*20) in the CHEK2 gene. It is expected to result in an absent or disrupted protein product. Loss-of-function variants in CHEK2 are known to be pathogenic (PMID: 21876083, 24713400). This variant is not present in population databases (gnomAD no frequency). This variant has not been reported in the literature in individuals affected with CHEK2-related conditions. ClinVar contains an entry for this variant (Variation ID: 460854). For these reasons, this variant has been classified as Pathogenic.

Ambry Genetics
Classification: Pathogenic for Hereditary cancer-predisposing syndrome. Last evaluated: 2023-09-21. Review status: criteria provided, single submitter. Criteria: Ambry Variant Classification Scheme 2023. Collection method: clinical testing. Allele origin: germline.
Comment: The c.762delG pathogenic mutation, located in coding exon 5 of the CHEK2 gene, results from a deletion of one nucleotide at nucleotide position 762, causing a translational frameshift with a predicted alternate stop codon (p.K255Sfs*20). This alteration is expected to result in loss of function by premature protein truncation or nonsense-mediated mRNA decay. As such, this alteration is interpreted as a disease-causing mutation.

Literature cited by the submitters: PubMed 21876083 (cited by Labcorp Genetics (formerly Invitae), Labcorp); PubMed 24713400 (cited by Labcorp Genetics (formerly Invitae), Labcorp).

NM_007194.4(CHEK2):c.762del (p.Lys255fs)

Gene: CHEK2 (checkpoint kinase 2; minus strand). Cytogenetic location: 22q12.1.
Variant type: Deletion.
Coding change: c.762del on transcript NM_007194.4 (MANE Select); coding-DNA position 762, one base deleted (G; older notation c.762delG).
Protein change: p.Lys255fs; shifts the reading frame from lysine 255.
Molecular consequence: frameshift variant.
Genome position (GRCh38, 1-based): chr22:28,711,939, C deleted on the plus strand (G on the coding strand, the reverse complement: CHEK2 is on the minus strand); the first of 2 consecutive C bases (chr22:28,711,939-28,711,940); deleting either gives the same sequence. VCF-style (leftmost placement, unchanged base first): chr22-28711938-TC-T. GRCh37 (hg19) VCF-style: chr22-29107926-TC-T.
Other names: c.890delG, p.Lys298Serfs (NM_001005735.3); c.98delG, p.Lys34Serfs (NM_001257387.3); c.560delG, p.Lys188Serfs (NM_001349956.3); c.761delG, p.Lys255Serfs (NM_145862.3); short protein forms K188fs, K298fs, K255fs, K34fs.
Identifiers: ClinVar variation 460854 (VCV000460854.8), dbSNP rs1131691044, ClinGen allele CA658656807.